The following is an entry in ClinVar:

ClinVar aggregate classification (germline): Uncertain significance (1 of 4 stars; one submission).

Allele frequency attached by ClinVar (database versions not stated): ExAC 0.00006; gnomAD 0.00001; gnomAD exomes 0.00001; TOPMed 0.00001.

Submission:

ARUP Laboratories, Molecular Genetics and Genomics, ARUP Laboratories
Classification: Uncertain significance. Last evaluated: 2018-04-24. Review status: criteria provided, single submitter. Criteria: ARUP Molecular Germline Variant Investigation Process. Collection method: clinical testing. Allele origin: germline.
Comment: The RPGR c.-16C>T variant, to our knowledge, is not reported in the medical literature, gene-specific databases, or in the ClinVar database. The variant is listed in the Genome Aggregation Database in 1 out of 115662 alleles, indicating it is not a common polymorphism. This is a variant in the 5' untranslated region, the nucleotide at this position is not well conserved, but a computational algorithm (NetStart1.0) predicts this variant may weaken the native translational start. Considering available information, the clinical significance cannot be determined with certainty.

NM_001034853.2(RPGR):c.-16C>T

Genes: RPGR (retinitis pigmentosa GTPase regulator; minus strand), LOC130068098 (ATAC-STARR-seq lymphoblastoid silent region 20735; plus strand). Cytogenetic location: Xp11.4.
Variant type: single nucleotide variant.
Coding change: c.-16C>T on transcript NM_001034853.2 (MANE Select); 16 bases upstream of the start codon, C replaced by T.
Molecular consequence: 5 prime UTR variant. On other transcripts: non-coding transcript variant (5).
Genome position (GRCh38, 1-based): chrX:38,327,383, G>A on the plus strand (C>T on the coding strand, the complement: RPGR is on the minus strand). VCF-style: chrX-38327383-G-A. GRCh37 (hg19) VCF-style: chrX-38186636-G-A.
Other names: c.-16C>T (NM_000328.3, NM_001367245.1, NM_001367246.1 and 4 more transcripts).
Identifiers: ClinVar variation 618349 (VCV000618349.9), dbSNP rs748771594, ClinGen allele CA10385756.